The following is an entry in ClinVar:

ClinVar aggregate classification (germline): Conflicting classifications of pathogenicity. Review status: criteria provided, conflicting classifications (1 of 4 stars). 4 submissions from 4 submitters: Uncertain significance (1); Benign (1); Likely benign (2). Last evaluated 2026-01-27.

Conditions:
Familial hemophagocytic lymphohistiocytosis 4 (FHL4). Also called: STX11-Related Familial Hemophagocytic Lymphohistiocytosis (STX11-fHLH). Identifiers: Orphanet 540, MedGen C1863728, MONDO:0011336, OMIM 603552.

Allele frequency attached by ClinVar (database versions not stated): gnomAD exomes 0.00055; ExAC 0.00065; 1000 Genomes Project 0.00200; gnomAD 0.00200 and 0.00215; ESP Exome Variant Server 0.00223; TOPMed 0.00233; 1000 Genomes Project 30x 0.00265.

Submissions (4):

Labcorp Genetics (formerly Invitae), Labcorp
Classification: Likely benign for Familial hemophagocytic lymphohistiocytosis 4. Last evaluated: 2026-01-27. Review status: criteria provided, single submitter. Criteria: Invitae Variant Classification Sherloc (09022015). Collection method: clinical testing. Allele origin: germline.

Mayo Clinic Laboratories, Mayo Clinic
Classification: Likely benign. Last evaluated: 2025-02-25. Review status: criteria provided, single submitter. Criteria: ACMG Guidelines, 2015. Collection method: clinical testing. Allele origin: germline. Observed: 2 variant alleles.
Comment: BS1, BP1, PP3

GeneDx
Classification: Uncertain significance. Last evaluated: 2022-10-14. Review status: criteria provided, single submitter. Criteria: GeneDx Variant Classification Process June 2021. Collection method: clinical testing. Allele origin: germline. Affected: yes.
Comment: In silico analysis, which includes protein predictors and evolutionary conservation, supports a deleterious effect; Has not been previously published as pathogenic or benign to our knowledge

Illumina Laboratory Services, Illumina
Classification: Benign for Familial hemophagocytic lymphohistiocytosis 4. Last evaluated: 2017-05-03. Review status: criteria provided, single submitter. Criteria: ICSL Variant Classification Criteria 13 December 2019. Collection method: clinical testing. Allele origin: germline.
Comment: This variant was observed as part of a predisposition screen in an ostensibly healthy population. A literature search was performed for the gene, cDNA change, and amino acid change (where applicable). No publications were found based on this search. Allele frequency data from public databases was too high to be consistent with this variant causing disease. Therefore, this variant is classified as benign.

NM_003764.4(STX11):c.839G>A (p.Cys280Tyr)

Gene: STX11 (syntaxin 11; plus strand). Cytogenetic location: 6q24.2.
Variant type: single nucleotide variant.
Coding change: c.839G>A on transcript NM_003764.4 (MANE Select); coding-DNA position 839, G replaced by A.
Protein change: p.Cys280Tyr; replaces cysteine 280 with tyrosine.
Molecular consequence: missense variant.
Genome position (GRCh38, 1-based): chr6:144,187,466, G>A. VCF-style: chr6-144187466-G-A. GRCh37 (hg19) VCF-style: chr6-144508603-G-A.
Other names: p.Cys280Tyr; c.839G>A (LRG_113t1); short protein forms C280Y.
Identifiers: ClinVar variation 536231 (VCV000536231.18), dbSNP rs34282765, ClinGen allele CA4031804.